The following is an entry in ClinVar:

NM_000016.6(ACADM):c.708+6G>A

Gene: ACADM (acyl-CoA dehydrogenase medium chain; plus strand). Cytogenetic location: 1p31.1.
Variant type: single nucleotide variant.
Coding change: c.708+6G>A on transcript NM_000016.6 (MANE Select); 6 bases into the intron after coding-DNA position 708, G replaced by A.
Molecular consequence: intron variant.
Genome position (GRCh38, 1-based): chr1:75,745,920, G>A. VCF-style: chr1-75745920-G-A. GRCh37 (hg19) VCF-style: chr1-76211605-G-A.
Other names: c.720+6G>A (NM_001127328.3); c.807+6G>A (NM_001286043.2); c.600+6G>A (NM_001286042.2); c.141+6G>A (NM_001286044.2).
Identifiers: ClinVar variation 1051007 (VCV001051007.5), dbSNP rs958629659, ClinGen allele CA1176720069.

ClinVar aggregate classification (germline): Uncertain significance. Review status: criteria provided, single submitter (1 of 4 stars). 2 submissions from 2 submitters: Uncertain significance (1). 1 of the submissions does not count toward it. Last evaluated 2021-08-27.

Conditions:
Medium-chain acyl-coenzyme A dehydrogenase deficiency (ACADMD). Also called: Medium chain acyl-CoA dehydrogenase deficiency; CARNITINE DEFICIENCY SECONDARY TO MEDIUM-CHAIN ACYL-CoA DEHYDROGENASE DEFICIENCY; MCAD Deficiency; MCADH DEFICIENCY; MCADD; ACADM DEFICIENCY. Identifiers: Orphanet 42, MedGen C0220710, MONDO:0008721, OMIM 201450.

Allele frequency attached by ClinVar (database versions not stated): gnomAD exomes below 0.00001.
gnomAD v4.1: 1 of 1,589,750 alleles (0.000063%); highest among the groups gnomAD compares: Non-Finnish European, 0.000086%; no homozygotes.

Submissions (2):

Labcorp Genetics (formerly Invitae), Labcorp
Classification: Uncertain significance for Medium-chain acyl-coenzyme A dehydrogenase deficiency. Last evaluated: 2021-08-27. Review status: criteria provided, single submitter. Criteria: Invitae Variant Classification Sherloc (09022015). Collection method: clinical testing. Allele origin: germline.
Comment: This sequence change falls in intron 8 of the ACADM gene. It does not directly change the encoded amino acid sequence of the ACADM protein. It affects a nucleotide within the consensus splice site of the intron. This variant is not present in population databases (ExAC no frequency). This variant has not been reported in the literature in individuals affected with ACADM-related conditions. Variants that disrupt the consensus splice site are a relatively common cause of aberrant splicing (PMID: 17576681, 9536098). Algorithms developed to predict the effect of sequence changes on RNA splicing suggest that this variant is not likely to affect RNA splicing. In summary, the available evidence is currently insufficient to determine the role of this variant in disease. Therefore, it has been classified as a Variant of Uncertain Significance.

Natera, Inc.
Classification: Uncertain significance for Medium Chain Acyl-CoA Dehydrogenase Deficiency. Last evaluated: 2019-02-05. Review status: no assertion criteria provided. Collection method: clinical testing. Allele origin: germline. Not counted in ClinVar's aggregate classification.

Literature cited by the submitters: PubMed 17576681 (cited by Labcorp Genetics (formerly Invitae), Labcorp); PubMed 9536098 (cited by Labcorp Genetics (formerly Invitae), Labcorp).